The following is an entry in ClinVar:

ClinVar aggregate classification (germline): Uncertain significance (1 of 4 stars; one submission).

Conditions:
Progressive sclerosing poliodystrophy (MTDPS4A). Also called: ALPERS PROGRESSIVE INFANTILE POLIODYSTROPHY; NEURONAL DEGENERATION OF CHILDHOOD WITH LIVER DISEASE, PROGRESSIVE; Alpers Syndrome; ALPERS DIFFUSE DEGENERATION OF CEREBRAL GRAY MATTER WITH HEPATIC CIRRHOSIS; Alpers-Huttenlocher Syndrome; Mitochondrial DNA Depletion Syndrome 4A. Identifiers: Orphanet 726, MedGen C0205710, MONDO:0008758, OMIM 203700.

Submission:

Labcorp Genetics (formerly Invitae), Labcorp
Classification: Uncertain significance for Progressive sclerosing poliodystrophy. Last evaluated: 2022-12-16. Review status: criteria provided, single submitter. Criteria: Invitae Variant Classification Sherloc (09022015). Collection method: clinical testing. Allele origin: germline.
Comment: This sequence change replaces serine, which is neutral and polar, with isoleucine, which is neutral and non-polar, at codon 352 of the POLG protein (p.Ser352Ile). This variant is not present in population databases (gnomAD no frequency). This variant has not been reported in the literature in individuals affected with POLG-related conditions. Advanced modeling of protein sequence and biophysical properties (such as structural, functional, and spatial information, amino acid conservation, physicochemical variation, residue mobility, and thermodynamic stability) performed at Invitae indicates that this missense variant is expected to disrupt POLG protein function. In summary, the available evidence is currently insufficient to determine the role of this variant in disease. Therefore, it has been classified as a Variant of Uncertain Significance.

NM_002693.3(POLG):c.1055G>T (p.Ser352Ile)

Gene: POLG (DNA polymerase gamma, catalytic subunit; minus strand). Cytogenetic location: 15q26.1.
Variant type: single nucleotide variant.
Coding change: c.1055G>T on transcript NM_002693.3 (MANE Select); coding-DNA position 1055, G replaced by T.
Protein change: p.Ser352Ile; replaces serine 352 with isoleucine.
Molecular consequence: missense variant.
Genome position (GRCh38, 1-based): chr15:89,328,800, C>A on the plus strand (G>T on the coding strand, the complement: POLG is on the minus strand). VCF-style: chr15-89328800-C-A. GRCh37 (hg19) VCF-style: chr15-89872031-C-A.
Other names: c.1055G>T, p.Ser352Ile (NM_001126131.2); short protein forms S352I.
Identifiers: ClinVar variation 2821442 (VCV002821442.3), dbSNP rs1376216306, ClinGen allele CA393765082.
Genomic context (GRCh38, chr15:89,328,800, plus strand): 5'-TCCTTCTCTAAGGGAGGCCCCCCTACATAAAGTCTGTGCACCTCTGCCAGACTGTTGACA[C>A]TGCTGATGTCCAGCCAGTCCCAGGATGAGATCTGGGGAACCAGAGCAAGGGACATGGCAG-3'
Protein context (NP_002684.1, residues 342-362): ISSWDWLDIS[Ser352Ile]VNSLAEVHRL